The following is an entry in ClinVar:

ClinVar aggregate classification (germline): Pathogenic (1 of 4 stars; one submission).

Conditions:
Progressive myoclonic epilepsy. Also called: Myoclonic Epilepsies, Progressive; Familial progressive myoclonic epilepsy; Myoclonus epilepsy; Progressive myoclonus epilepsy. Identifiers: Orphanet 308, Orphanet 98261, MedGen C0751778, MONDO:0020074.

Submission:

Labcorp Genetics (formerly Invitae), Labcorp
Classification: Pathogenic for Progressive myoclonic epilepsy. Last evaluated: 2023-03-20. Review status: criteria provided, single submitter. Criteria: Invitae Variant Classification Sherloc (09022015). Collection method: clinical testing. Allele origin: germline.
Comment: This sequence change creates a premature translational stop signal (p.Trp287*) in the EPM2A gene. While this is not anticipated to result in nonsense mediated decay, it is expected to disrupt the last 45 amino acid(s) of the EPM2A protein. This variant is not present in population databases (gnomAD no frequency). For these reasons, this variant has been classified as Pathogenic. This variant disrupts a region of the EPM2A protein in which other variant(s) (p.Gln319Profs*12) have been determined to be pathogenic (PMID: 14722920, 32342326). This suggests that this is a clinically significant region of the protein, and that variants that disrupt it are likely to be disease-causing. This premature translational stop signal has been observed in individual(s) with EPM2A-related conditions (PMID: 32342326).

Literature cited by the submitters: PubMed 14722920; PubMed 32342326.

NM_005670.4(EPM2A):c.861G>A (p.Trp287Ter)

Gene: EPM2A (EPM2A glucan phosphatase, laforin; minus strand). Cytogenetic location: 6q24.3.
Variant type: single nucleotide variant.
Coding change: c.861G>A on transcript NM_005670.4 (MANE Select); coding-DNA position 861, G replaced by A.
Protein change: p.Trp287Ter; replaces tryptophan 287 with a stop codon.
Molecular consequence: nonsense. On other transcripts: missense variant (1), non-coding transcript variant (1).
Genome position (GRCh38, 1-based): chr6:145,627,551, C>T on the plus strand (G>A on the coding strand, the complement: EPM2A is on the minus strand). VCF-style: chr6-145627551-C-T. GRCh37 (hg19) VCF-style: chr6-145948687-C-T.
Other names: c.861G>A, p.Trp287Ter (NM_001018041.2); c.619G>A, p.Glu207Lys (NM_001360057.2); c.447G>A, p.Trp149Ter (NM_001360064.2, NM_001360071.2, NM_001368131.1); c.399G>A, p.Trp133Ter (NM_001368129.2, NM_001368132.1); short protein forms E207K, W287*, W133*, W149*.
Identifiers: ClinVar variation 2734962 (VCV002734962.3), dbSNP rs2533594050, ClinGen allele CA366190202.